The following is an entry in ClinVar:

NM_002474.3(MYH11):c.3096T>G (p.His1032Gln)

Gene: MYH11 (myosin heavy chain 11; minus strand). Cytogenetic location: 16p13.11.
Variant type: single nucleotide variant.
Coding change: c.3096T>G on transcript NM_002474.3 (MANE Select); coding-DNA position 3096, T replaced by G.
Protein change: p.His1032Gln; replaces histidine 1032 with glutamine.
Molecular consequence: missense variant.
Genome position (GRCh38, 1-based): chr16:15,738,590, A>C on the plus strand (T>G on the coding strand, the complement: MYH11 is on the minus strand). VCF-style: chr16-15738590-A-C. GRCh37 (hg19) VCF-style: chr16-15832447-A-C.
Other names: c.3117T>G, p.His1039Gln (NM_001040113.2, NM_001040114.2); c.3096T>G, p.His1032Gln (NM_022844.3); short protein forms H1032Q, H1039Q.
Identifiers: ClinVar variation 3073856 (VCV003073856.1), dbSNP rs759725475, ClinGen allele CA7922097.
Genomic context (GRCh38, chr16:15,738,590, plus strand): 5'-TAAAATAAAAATAAATCTCTTGGTAGCTGGTTTACCTTCCAGTTCTGAAATCATAGATTC[A>C]TGCTTGTTTTTCAGCTTGGTAAGATTCTTGGCCTTTTCTTCCTCTTCTGCAAGATTTGTC-3'
Protein context (NP_002465.1, residues 1022-1042): AKNLTKLKNK[His1032Gln]ESMISELEVR

ClinVar aggregate classification (germline): Uncertain significance (1 of 4 stars; one submission).

Conditions:
Familial thoracic aortic aneurysm and aortic dissection (TAAD). Also called: Thoracic aortic aneurysms and dissections. Identifiers: Orphanet 91387, MedGen C4707243, MONDO:0019625.

Allele frequency attached by ClinVar (database versions not stated): ExAC 0.00001.
gnomAD v4.1: 2 of 1,613,906 alleles (0.00012%); highest among the groups gnomAD compares: Admixed American, 0.0033%; no homozygotes.

Submission:

All of Us Research Program, National Institutes of Health
Classification: Uncertain significance for Familial thoracic aortic aneurysm and aortic dissection. Last evaluated: 2023-10-06. Review status: criteria provided, single submitter. Criteria: ACMG Guidelines, 2015. Collection method: clinical testing. Allele origin: germline. Inheritance: Autosomal dominant inheritance. Observed: 1 variant allele, 1 heterozygote.
Comment: This missense variant replaces histidine with glutamine at codon 1039 of the MYH11 protein. Computational prediction suggests that this variant may not impact protein structure and function (internally defined REVEL score threshold <= 0.5, PMID: 27666373). To our knowledge, functional studies have not been reported for this variant. This variant has not been reported in individuals affected with MYH11-related disorders in the literature. This variant has been identified in 2/251334 chromosomes in the general population by the Genome Aggregation Database (gnomAD). The available evidence is insufficient to determine the role of this variant in disease conclusively. Therefore, this variant is classified as a Variant of Uncertain Significance.

This study involves interpretation of variants in research participants for the purpose of population health screening. Participant phenotype was not available at the time of variant classification. Additional details can be found in publication PMID: 35346344, PMCID: PMC8962531